The following is an entry in ClinVar:

ClinVar aggregate classification (germline): Uncertain significance (1 of 4 stars; one submission).

Conditions:
Cystic fibrosis (CF). Also called: MUCOVISCIDOSIS. Identifiers: Orphanet 586, MedGen C0010674, MONDO:0009061, OMIM 219700. Disease mechanism: loss of function.

Submission:

Ambry Genetics
Classification: Uncertain significance for Cystic fibrosis. Last evaluated: 2022-08-28. Review status: criteria provided, single submitter. Criteria: Ambry Variant Classification Scheme 2023. Collection method: clinical testing. Allele origin: germline.
Comment: The p.M212T variant (also known as c.635T>C), located in coding exon 6 of the CFTR gene, results from a T to C substitution at nucleotide position 635. The methionine at codon 212 is replaced by threonine, an amino acid with similar properties. This amino acid position is conserved. In addition, the in silico prediction for this alteration is inconclusive. Since supporting evidence is limited at this time, the clinical significance of this alteration remains unclear.

NM_000492.4(CFTR):c.635T>C (p.Met212Thr)

Gene: CFTR (CF transmembrane conductance regulator; plus strand). Cytogenetic location: 7q31.2.
Variant type: single nucleotide variant.
Coding change: c.635T>C on transcript NM_000492.4 (MANE Select); coding-DNA position 635, T replaced by C.
Protein change: p.Met212Thr; replaces methionine 212 with threonine.
Molecular consequence: missense variant.
Genome position (GRCh38, 1-based): chr7:117,535,303, T>C. VCF-style: chr7-117535303-T-C. GRCh37 (hg19) VCF-style: chr7-117175357-T-C.
Other names: short protein forms M212T.
Identifiers: ClinVar variation 1753059 (VCV001753059.2), dbSNP rs2485016976, ClinGen allele CA368976895.